The following is an entry in ClinVar:

NM_001843.4(CNTN1):c.1255C>A (p.Pro419Thr)

Gene: CNTN1 (contactin 1; plus strand). Cytogenetic location: 12q12.
Variant type: single nucleotide variant.
Coding change: c.1255C>A on transcript NM_001843.4 (MANE Select); coding-DNA position 1255, C replaced by A.
Protein change: p.Pro419Thr; replaces proline 419 with threonine.
Molecular consequence: missense variant.
Genome position (GRCh38, 1-based): chr12:40,939,361, C>A. VCF-style: chr12-40939361-C-A. GRCh37 (hg19) VCF-style: chr12-41333163-C-A.
Other names: c.1255C>A, p.Pro419Thr (NM_001256063.2, NM_001256064.2); c.1222C>A, p.Pro408Thr (NM_175038.2); short protein forms P408T, P419T.
Identifiers: ClinVar variation 972624 (VCV000972624.8), dbSNP rs758774084, ClinGen allele CA6516824.

ClinVar aggregate classification (germline): Uncertain significance (1 of 4 stars; one submission).

Conditions:
Compton-North congenital myopathy (CMYO12). Identifiers: Orphanet 210163, MedGen C2675527, MONDO:0012929, OMIM 612540.

Allele frequency attached by ClinVar (database versions not stated): ExAC 0.00002; gnomAD exomes 0.00002.
gnomAD v4.1: 6 of 1,613,752 alleles (0.00037%); highest among the groups gnomAD compares: Admixed American, 0.01%; no homozygotes.

Submission:

Labcorp Genetics (formerly Invitae), Labcorp
Classification: Uncertain significance for Compton-North congenital myopathy. Last evaluated: 2024-04-01. Review status: criteria provided, single submitter. Criteria: Invitae Variant Classification Sherloc (09022015). Collection method: clinical testing. Allele origin: germline.
Comment: This sequence change replaces proline, which is neutral and non-polar, with threonine, which is neutral and polar, at codon 419 of the CNTN1 protein (p.Pro419Thr). This variant is present in population databases (rs758774084, gnomAD 0.02%). This variant has not been reported in the literature in individuals affected with CNTN1-related conditions. ClinVar contains an entry for this variant (Variation ID: 972624). Advanced modeling of protein sequence and biophysical properties (such as structural, functional, and spatial information, amino acid conservation, physicochemical variation, residue mobility, and thermodynamic stability) performed at Invitae indicates that this missense variant is not expected to disrupt CNTN1 protein function with a negative predictive value of 95%. In summary, the available evidence is currently insufficient to determine the role of this variant in disease. Therefore, it has been classified as a Variant of Uncertain Significance.